The following is an entry in ClinVar:

NM_004369.4(COL6A3):c.7616C>T (p.Thr2539Ile)

Gene: COL6A3 (collagen type VI alpha 3 chain; minus strand). Cytogenetic location: 2q37.3.
Variant type: single nucleotide variant.
Coding change: c.7616C>T on transcript NM_004369.4 (MANE Select); coding-DNA position 7616, C replaced by T.
Protein change: p.Thr2539Ile; replaces threonine 2539 with isoleucine.
Molecular consequence: missense variant.
Genome position (GRCh38, 1-based): chr2:237,344,402, G>A on the plus strand (C>T on the coding strand, the complement: COL6A3 is on the minus strand). VCF-style: chr2-237344402-G-A. GRCh37 (hg19) VCF-style: chr2-238253045-G-A.
Other names: c.5795C>T, p.Thr1932Ile (NM_057166.5); c.6998C>T, p.Thr2333Ile (NM_057167.4); short protein forms T1932I, T2333I, T2539I.
Identifiers: ClinVar variation 1308002 (VCV001308002.2), dbSNP rs2077055134, ClinGen allele CA351201763.

ClinVar aggregate classification (germline): Uncertain significance (1 of 4 stars; one submission).

Submission:

GeneDx
Classification: Uncertain significance. Last evaluated: 2019-03-15. Review status: criteria provided, single submitter. Criteria: GeneDx Variant Classification Process June 2021. Collection method: clinical testing. Allele origin: germline. Affected: yes.
Comment: Not observed in large population cohorts (Lek et al., 2016); In silico analysis, which includes protein predictors and evolutionary conservation, supports that this variant does not alter protein structure/function; Has not been previously published as pathogenic or benign to our knowledge